The following is an entry in ClinVar:

NM_133379.5(TTN):c.11006A>G (p.Asp3669Gly)

Gene: TTN (titin; minus strand). Cytogenetic location: 2q31.2.
Variant type: single nucleotide variant.
Coding change: c.11006A>G on transcript NM_133379.5; coding-DNA position 11006, A replaced by G.
Protein change: p.Asp3669Gly; replaces aspartic acid 3669 with glycine.
Molecular consequence: missense variant. On other transcripts: intron variant (6).
Genome position (GRCh38, 1-based): chr2:178,751,394, T>C on the plus strand (A>G on the coding strand, the complement: TTN is on the minus strand). VCF-style: chr2-178751394-T-C. GRCh37 (hg19) VCF-style: chr2-179616121-T-C.
Other names: p.D3669G:GAT>GGT; c.10798+1730A>G (NM_133437.4); c.10222+1730A>G (NM_003319.4); c.11311+1730A>G (NM_001267550.2); c.10597+1730A>G (NM_133432.3); c.10360+1730A>G (NM_133378.4, NM_001256850.1); c.11006A>G (NM_133379.4); short protein forms D3669G.
Identifiers: ClinVar variation 47731 (VCV000047731.17), dbSNP rs72647896, ClinGen allele CA284428.

ClinVar aggregate classification (germline): Benign. Review status: criteria provided, multiple submitters, no conflicts (2 of 4 stars). 8 submissions from 8 submitters: Benign (6). 2 of the submissions do not count toward it. Last evaluated 2026-03-27.

Allele frequency attached by ClinVar (database versions not stated): gnomAD exomes 0.00054 and 0.00138; TOPMed 0.00618; 1000 Genomes Project 30x 0.00656; ESP Exome Variant Server 0.00500; 1000 Genomes Project 0.00579; gnomAD 0.00591 and 0.00545; ExAC 0.00178.
gnomAD v4.1: 1,631 of 1,608,358 alleles (0.1%); highest among the groups gnomAD compares: African/African-American, 2%; 17 homozygotes.

Submissions (8):

Molecular Diagnostic Laboratory for Inherited Cardiovascular Disease, Montreal Heart Institute
Classification: Benign. Last evaluated: 2026-03-27. Review status: criteria provided, single submitter. Criteria: ACMG Guidelines, 2015. Collection method: clinical testing. Allele origin: germline. Affected: no.

ARUP Laboratories, Molecular Genetics and Genomics, ARUP Laboratories
Classification: Benign. Last evaluated: 2024-10-25. Review status: criteria provided, single submitter. Criteria: ARUP Molecular Germline Variant Investigation Process 2024. Collection method: clinical testing. Allele origin: germline.

GeneDx
Classification: Benign. Last evaluated: 2014-04-14. Review status: criteria provided, single submitter. Criteria: GeneDx Variant Classification (06012015). Collection method: clinical testing. Allele origin: germline. Affected: yes.
Comment: This variant is considered likely benign or benign based on one or more of the following criteria: it is a conservative change, it occurs at a poorly conserved position in the protein, it is predicted to be benign by multiple in silico algorithms, and/or has population frequency not consistent with disease.

Biesecker Lab/Clinical Genomics Section, National Institutes of Health
Classification: Benign. Last evaluated: 2013-06-24. Review status: criteria provided, single submitter. Criteria: Ng et al. (Circ Cardiovasc Genet. 2013). Collection method: research. Allele origin: unknown. Observed: 1 variant allele. Study: ClinSeq.
Comment: The study set was not selected for affection status in relation to any cancer. Pathogenicity categories were based on literature curation. See Pubmed ID:23861362 for details.

Medical sequencing

Laboratory for Molecular Medicine, Mass General Brigham Personalized Medicine
Classification: Benign. Last evaluated: 2012-04-04. Review status: criteria provided, single submitter. Criteria: LMM Criteria. Collection method: clinical testing. Allele origin: germline. Observed: 7 variant alleles.
Comment: 1.6% (60/3738) in African American chromosomes (ESP)

Breakthrough Genomics
Classification: Benign. Review status: criteria provided, single submitter. Criteria: ACMG Guidelines, 2015. Collection method: not provided. Allele origin: germline. Inheritance: Autosomal recessive inheritance. Affected: yes.

Clinical Genetics, Academic Medical Center
Classification: Benign. Review status: no assertion criteria provided. Collection method: clinical testing. Allele origin: germline. Affected: yes. Study: VKGL Data-share Consensus. Not counted in ClinVar's aggregate classification.

Laboratory of Diagnostic Genome Analysis, Leiden University Medical Center (LUMC)
Classification: Likely benign. Review status: no assertion criteria provided. Collection method: clinical testing. Allele origin: germline. Affected: yes. Study: VKGL Data-share Consensus. Not counted in ClinVar's aggregate classification.